The following is an entry in ClinVar:

NM_001999.4(FBN2):c.3535G>T (p.Gly1179Cys)

Gene: FBN2 (fibrillin 2; minus strand). Cytogenetic location: 5q23.3.
Variant type: single nucleotide variant.
Coding change: c.3535G>T on transcript NM_001999.4 (MANE Select); coding-DNA position 3535, G replaced by T.
Protein change: p.Gly1179Cys; replaces glycine 1179 with cysteine.
Molecular consequence: missense variant.
Genome position (GRCh38, 1-based): chr5:128,338,060, C>A on the plus strand (G>T on the coding strand, the complement: FBN2 is on the minus strand). VCF-style: chr5-128338060-C-A. GRCh37 (hg19) VCF-style: chr5-127673752-C-A.
Other names: short protein forms G1179C.
Identifiers: ClinVar variation 2136329 (VCV002136329.4), dbSNP rs2479809538, ClinGen allele CA360759363.

ClinVar aggregate classification (germline): Pathogenic (1 of 4 stars; one submission).

Conditions:
Congenital contractural arachnodactyly (CCA). Also called: Arthrogryposis, distal, type 9; BEALS SYNDROME; Beals-Hecht syndrome. Identifiers: Orphanet 115, MedGen C0220668, MONDO:0007363, OMIM 121050.

Submission:

Labcorp Genetics (formerly Invitae), Labcorp
Classification: Pathogenic for Congenital contractural arachnodactyly. Last evaluated: 2024-10-25. Review status: criteria provided, single submitter. Criteria: Invitae Variant Classification Sherloc (09022015). Collection method: clinical testing. Allele origin: germline.
Comment: This sequence change replaces glycine, which is neutral and non-polar, with cysteine, which is neutral and slightly polar, at codon 1179 of the FBN2 protein (p.Gly1179Cys). This variant is not present in population databases (gnomAD no frequency). This missense change has been observed in individual(s) with FBN2-related conditions (PMID: 11754102; internal data). In at least one individual the variant was observed to be de novo. This variant is also known as G1177C. ClinVar contains an entry for this variant (Variation ID: 2136329). Invitae Evidence Modeling of protein sequence and biophysical properties (such as structural, functional, and spatial information, amino acid conservation, physicochemical variation, residue mobility, and thermodynamic stability) has been performed for this missense variant. However, the output from this modeling did not meet the statistical confidence thresholds required to predict the impact of this variant on FBN2 protein function. For these reasons, this variant has been classified as Pathogenic.

Literature cited by the submitters: PubMed 11754102.